The following is an entry in ClinVar:

ClinVar aggregate classification (germline): Uncertain significance (1 of 4 stars; one submission).

Conditions:
Early-infantile DEE. Also called: Ohtahara syndrome; Early infantile epileptic encephalopathy; Early infantile epileptic encephalopathy with suppression bursts. Identifiers: Orphanet 1934, MedGen C0393706, MONDO:0800491.

Allele frequency attached by ClinVar (database versions not stated): TOPMed below 0.00001; gnomAD exomes 0.00001; ExAC 0.00004; gnomAD 0.00001.
gnomAD v4.1: 14 of 1,613,824 alleles (0.00087%); highest among the groups gnomAD compares: South Asian, 0.013%; no homozygotes.

Submission:

Labcorp Genetics (formerly Invitae), Labcorp
Classification: Uncertain significance for Early-infantile DEE. Last evaluated: 2023-06-11. Review status: criteria provided, single submitter. Criteria: Invitae Variant Classification Sherloc (09022015). Collection method: clinical testing. Allele origin: germline.
Comment: This variant is present in population databases (rs767030350, gnomAD 0.03%). This sequence change replaces methionine, which is neutral and non-polar, with threonine, which is neutral and polar, at codon 427 of the KCNH5 protein (p.Met427Thr). This variant has not been reported in the literature in individuals affected with KCNH5-related conditions. In summary, the available evidence is currently insufficient to determine the role of this variant in disease. Therefore, it has been classified as a Variant of Uncertain Significance. Advanced modeling of protein sequence and biophysical properties (such as structural, functional, and spatial information, amino acid conservation, physicochemical variation, residue mobility, and thermodynamic stability) performed at Invitae indicates that this missense variant is not expected to disrupt KCNH5 protein function.

NM_139318.5(KCNH5):c.1280T>C (p.Met427Thr)

Gene: KCNH5 (potassium voltage-gated channel subfamily H member 5; minus strand). Cytogenetic location: 14q23.2.
Variant type: single nucleotide variant.
Coding change: c.1280T>C on transcript NM_139318.5 (MANE Select); coding-DNA position 1280, T replaced by C.
Protein change: p.Met427Thr; replaces methionine 427 with threonine.
Molecular consequence: missense variant.
Genome position (GRCh38, 1-based): chr14:62,950,222, A>G on the plus strand (T>C on the coding strand, the complement: KCNH5 is on the minus strand). VCF-style: chr14-62950222-A-G. GRCh37 (hg19) VCF-style: chr14-63416940-A-G.
Other names: c.1280T>C, p.Met427Thr (NM_172375.3); short protein forms M427T.
Identifiers: ClinVar variation 2786290 (VCV002786290.3), dbSNP rs767030350, ClinGen allele CA7217505.